The following is an entry in ClinVar:

NM_001130438.3(SPTAN1):c.2450T>C (p.Ile817Thr)

Gene: SPTAN1 (spectrin alpha, non-erythrocytic 1; plus strand). Cytogenetic location: 9q34.11.
Variant type: single nucleotide variant.
Coding change: c.2450T>C on transcript NM_001130438.3 (MANE Select); coding-DNA position 2450, T replaced by C.
Protein change: p.Ile817Thr; replaces isoleucine 817 with threonine.
Molecular consequence: missense variant.
Genome position (GRCh38, 1-based): chr9:128,584,733, T>C. VCF-style: chr9-128584733-T-C. GRCh37 (hg19) VCF-style: chr9-131347012-T-C.
Other names: c.2450T>C, p.Ile817Thr (NM_001195532.2, NM_001363759.2, NM_001363765.2 and 1 more transcripts); short protein forms I817T.
Identifiers: ClinVar variation 411794 (VCV000411794.9), dbSNP rs1060503490, ClinGen allele CA16612424.

ClinVar aggregate classification (germline): Uncertain significance (1 of 4 stars; one submission).

Conditions:
Early-infantile DEE. Also called: Ohtahara syndrome; Early infantile epileptic encephalopathy with suppression bursts; Early infantile epileptic encephalopathy. Identifiers: Orphanet 1934, MedGen C0393706, MONDO:0800491.

Allele frequency attached by ClinVar (database versions not stated): gnomAD exomes below 0.00001; gnomAD 0.00001.
gnomAD v4.1: 5 of 1,614,070 alleles (0.00031%); highest among the groups gnomAD compares: African/African-American, 0.0013%; no homozygotes.

Submission:

Labcorp Genetics (formerly Invitae), Labcorp
Classification: Uncertain significance for Early-infantile DEE. Last evaluated: 2025-08-02. Review status: criteria provided, single submitter. Criteria: Invitae Variant Classification Sherloc (09022015). Collection method: clinical testing. Allele origin: germline.
Comment: This sequence change replaces isoleucine, which is neutral and non-polar, with threonine, which is neutral and polar, at codon 817 of the SPTAN1 protein (p.Ile817Thr). This variant is present in population databases (no rsID available, gnomAD 0.0009%). This variant has not been reported in the literature in individuals affected with SPTAN1-related conditions. ClinVar contains an entry for this variant (Variation ID: 411794). Invitae Evidence Modeling of protein sequence and biophysical properties (such as structural, functional, and spatial information, amino acid conservation, physicochemical variation, residue mobility, and thermodynamic stability) has been performed for this missense variant. However, the output from this modeling did not meet the statistical confidence thresholds required to predict the impact of this variant on SPTAN1 protein function. In summary, the available evidence is currently insufficient to determine the role of this variant in disease. Therefore, it has been classified as a Variant of Uncertain Significance.